The following is an entry in ClinVar:

ClinVar aggregate classification (germline): Likely benign (1 of 4 stars; one submission).

gnomAD v4.1: 385 of 1,610,126 alleles (0.024%); highest among the groups gnomAD compares: South Asian, 0.065%; no homozygotes.

Submission:

CeGaT Center for Human Genetics Tuebingen
Classification: Likely benign. Last evaluated: 2026-05-01. Review status: criteria provided, single submitter. Criteria: CeGaT Center For Human Genetics Tuebingen Variant Classification Criteria Version 2. Collection method: clinical testing. Allele origin: germline. Affected: yes. Observed: 1 variant allele.
Comment: SCRT1: BP4, BP7

NM_031309.6(SCRT1):c.36T>G (p.Leu12=)

Gene: SCRT1 (scratch family transcriptional repressor 1; minus strand). Cytogenetic location: 8q24.3.
Variant type: single nucleotide variant.
Coding change: c.36T>G on transcript NM_031309.6 (MANE Select); coding-DNA position 36, T replaced by G.
Protein change: p.Leu12=; no amino-acid change (leucine 12 retained).
Molecular consequence: synonymous variant.
Genome position (GRCh38, 1-based): chr8:144,336,134, A>C on the plus strand (T>G on the coding strand, the complement: SCRT1 is on the minus strand). VCF-style: chr8-144336134-A-C. GRCh37 (hg19) VCF-style: chr8-145559796-A-C.
Identifiers: ClinVar variation 4872201 (VCV004872201.2).